The following is an entry in ClinVar:

ClinVar aggregate classification (germline): Uncertain significance. Review status: criteria provided, multiple submitters, no conflicts (2 of 4 stars). 2 submissions from 2 submitters: Uncertain significance (2). Last evaluated 2025-02-01.

Conditions:
Hereditary cancer-predisposing syndrome. Also called: Neoplastic Syndromes, Hereditary; Tumor predisposition; Hereditary Cancer Syndrome; Hereditary neoplastic syndrome. Identifiers: Orphanet 140162, MedGen C0027672, MeSH D009386, MONDO:0015356.
Multiple endocrine neoplasia, type 2 (MEN2). Identifiers: Orphanet 653, MedGen C4048306, MONDO:0019003. Disease mechanism: gain of function.

Allele frequency attached by ClinVar (database versions not stated): gnomAD exomes below 0.00001.
gnomAD v4.1: 2 of 1,613,028 alleles (0.00012%); highest among the groups gnomAD compares: Non-Finnish European, 0.00017%; no homozygotes.

Submissions (2):

Ambry Genetics
Classification: Uncertain significance for Hereditary cancer-predisposing syndrome. Last evaluated: 2025-02-01. Review status: criteria provided, single submitter. Criteria: Ambry Variant Classification Scheme 2023. Collection method: clinical testing. Allele origin: germline.
Comment: The p.M868I variant (also known as c.2604G>A), located in coding exon 14 of the RET gene, results from a G to A substitution at nucleotide position 2604. The methionine at codon 868 is replaced by isoleucine, an amino acid with highly similar properties. This amino acid position is conserved. In addition, this alteration is predicted to be deleterious by in silico analysis. Based on the available evidence, the clinical significance of this variant remains unclear.

Labcorp Genetics (formerly Invitae), Labcorp
Classification: Uncertain significance for Multiple endocrine neoplasia, type 2. Last evaluated: 2022-11-15. Review status: criteria provided, single submitter. Criteria: Invitae Variant Classification Sherloc (09022015). Collection method: clinical testing. Allele origin: germline.
Comment: In summary, the available evidence is currently insufficient to determine the role of this variant in disease. Therefore, it has been classified as a Variant of Uncertain Significance. Algorithms developed to predict the effect of missense changes on protein structure and function are either unavailable or do not agree on the potential impact of this missense change (SIFT: "Tolerated"; PolyPhen-2: "Probably Damaging"; Align-GVGD: "Class C0"). ClinVar contains an entry for this variant (Variation ID: 1002688). This variant has not been reported in the literature in individuals affected with RET-related conditions. This variant is not present in population databases (gnomAD no frequency). This sequence change replaces methionine, which is neutral and non-polar, with isoleucine, which is neutral and non-polar, at codon 868 of the RET protein (p.Met868Ile).

NM_020975.6(RET):c.2604G>A (p.Met868Ile)

Gene: RET (ret proto-oncogene; plus strand). Cytogenetic location: 10q11.21.
Variant type: single nucleotide variant.
Coding change: c.2604G>A on transcript NM_020975.6 (MANE Select); coding-DNA position 2604, G replaced by A.
Protein change: p.Met868Ile; replaces methionine 868 with isoleucine.
Molecular consequence: missense variant.
Genome position (GRCh38, 1-based): chr10:43,119,742, G>A. VCF-style: chr10-43119742-G-A. GRCh37 (hg19) VCF-style: chr10-43615190-G-A.
Other names: c.2604G>A, p.Met868Ile (NM_000323.2, NM_001406743.1, NM_001406744.1 and 4 more transcripts); c.1842G>A, p.Met614Ile (NM_001355216.2); c.2475G>A, p.Met825Ile (NM_001406761.1, NM_001406762.1, NM_001406764.1); c.2469G>A, p.Met823Ile (NM_001406763.1, NM_001406765.1); c.2316G>A, p.Met772Ile (NM_001406766.1, NM_001406767.1, NM_001406770.1); c.2340G>A, p.Met780Ile (NM_001406768.1); c.2208G>A, p.Met736Ile (NM_001406769.1, NM_001406772.1); c.2166G>A, p.Met722Ile (NM_001406771.1, NM_001406773.1); and 10 more; short protein forms M614I, M868I, M524I, M529I, M823I, M825I, M473I, M569I.
Identifiers: ClinVar variation 1002688 (VCV001002688.10), dbSNP rs1838165300, ClinGen allele CA376556841.